The following is an entry in ClinVar:

ClinVar aggregate classification (germline): Conflicting classifications of pathogenicity. Review status: criteria provided, conflicting classifications (1 of 4 stars). 3 submissions from 3 submitters: Uncertain significance (2); Benign (1). Last evaluated 2026-07-21.

Conditions:
Congenital contractural arachnodactyly (CCA). Also called: BEALS SYNDROME; Arthrogryposis, distal, type 9; Beals-Hecht syndrome. Identifiers: Orphanet 115, MedGen C0220668, MONDO:0007363, OMIM 121050.
Familial thoracic aortic aneurysm and aortic dissection (TAAD). Also called: Thoracic aortic aneurysms and dissections. Identifiers: Orphanet 91387, MedGen C4707243, MONDO:0019625.

Allele frequency attached by ClinVar (database versions not stated): gnomAD exomes 0.00002 and 0.00003; ExAC 0.00002; gnomAD 0.00001; TOPMed 0.00001.
gnomAD v4.1: 42 of 1,613,994 alleles (0.0026%); highest among the groups gnomAD compares: Middle Eastern, 0.016%; no homozygotes.

Submissions (3):

Ambry Genetics
Classification: Uncertain significance for Familial thoracic aortic aneurysm and aortic dissection. Last evaluated: 2026-07-21. Review status: criteria provided, single submitter. Criteria: Ambry Variant Classification Scheme 2023. Collection method: clinical testing. Allele origin: germline.
Comment: The p.S1148G variant (also known as c.3442A>G), located in coding exon 26 of the FBN2 gene, results from an A to G substitution at nucleotide position 3442. The serine at codon 1148 is replaced by glycine, an amino acid with similar properties. This amino acid position is conserved. In addition, the in silico prediction for this alteration is inconclusive. Based on the available evidence, the clinical significance of this variant remains unclear.

Labcorp Genetics (formerly Invitae), Labcorp
Classification: Benign for Congenital contractural arachnodactyly. Last evaluated: 2025-08-02. Review status: criteria provided, single submitter. Criteria: Invitae Variant Classification Sherloc (09022015). Collection method: clinical testing. Allele origin: germline.

GeneDx
Classification: Uncertain significance. Last evaluated: 2016-10-03. Review status: criteria provided, single submitter. Criteria: GeneDx Variant Classification (06012015). Collection method: clinical testing. Allele origin: germline. Affected: yes.
Comment: The S1148G variant has not been published as a pathogenic variant, nor has it been reported as a benign variant to our knowledge. This variant was not observed in approximately 6,500 individuals of European and African American ancestry in the NHLBI Exome Sequencing Project, indicating it is not a common benign variant in these populations. The S1148G variant is a non-conservative amino acid substitution, which is likely to impact secondary protein structure as these residues differ in polarity, charge, size and/or other properties. Additionally, this substitution occurs at a position where only amino acids with similar properties to Serine are tolerated across species. In silico analysis predicts this variant is probably damaging to the protein structure/function. However, while the S1148G variant is located within a calcium-binding EGF-like domain of the FBN2 gene, it does not affect a Cysteine residue within this domain. Cysteine substitutions in the calcium-binding EGF-like domains represent the majority of pathogenic missense changes associated with CCA (Collod-Beroud et al., 2003; FrÃ©dÃ©ric et al., 2009). Therefore, based on the currently available information, it is unclear whether this variant is pathogenic or rare benign.

NM_001999.4(FBN2):c.3442A>G (p.Ser1148Gly)

Gene: FBN2 (fibrillin 2; minus strand). Cytogenetic location: 5q23.3.
Variant type: single nucleotide variant.
Coding change: c.3442A>G on transcript NM_001999.4 (MANE Select); coding-DNA position 3442, A replaced by G.
Protein change: p.Ser1148Gly; replaces serine 1148 with glycine.
Molecular consequence: missense variant.
Genome position (GRCh38, 1-based): chr5:128,338,963, T>C on the plus strand (A>G on the coding strand, the complement: FBN2 is on the minus strand). VCF-style: chr5-128338963-T-C. GRCh37 (hg19) VCF-style: chr5-127674655-T-C.
Other names: short protein forms S1148G.
Identifiers: ClinVar variation 213308 (VCV000213308.15), dbSNP rs764809572, ClinGen allele CA322825.